The following is an entry in ClinVar:

ClinVar aggregate classification (germline): Likely pathogenic (1 of 4 stars; one submission).

Conditions:
Hereditary cancer-predisposing syndrome. Also called: Neoplastic Syndromes, Hereditary; Tumor predisposition; Hereditary Cancer Syndrome; Hereditary neoplastic syndrome. Identifiers: Orphanet 140162, MedGen C0027672, MeSH D009386, MONDO:0015356.

Submission:

Ambry Genetics
Classification: Likely pathogenic for Hereditary cancer-predisposing syndrome. Last evaluated: 2025-12-01. Review status: criteria provided, single submitter. Criteria: Ambry Variant Classification Scheme 2023. Collection method: clinical testing. Allele origin: germline.
Comment: The c.375+2T>C intronic variant results from a T to C substitution two nucleotides after coding exon 5 in the BAP1 gene. This alteration was non-functional in a high throughput genome editing haploid cell survival functional assay (Waters AJ et al. Nat Genet, 2024 Jul;56:1434-1445). This nucleotide position is highly conserved in available vertebrate species. In silico splice site analysis predicts that this alteration will weaken the native splice donor site. RNA studies have demonstrated that this alteration results in abnormal splicing in the set of samples tested (Ambry internal data). This variant is considered to be rare based on population cohorts in the Genome Aggregation Database (gnomAD). Based on the majority of available evidence to date, this variant is likely to be pathogenic.

Literature cited by the submitters: PubMed 38969833.

NM_004656.4(BAP1):c.375+2T>C

Gene: BAP1 (BRCA1 associated deubiquitinase 1; minus strand). Cytogenetic location: 3p21.1.
Variant type: single nucleotide variant.
Coding change: c.375+2T>C on transcript NM_004656.4 (MANE Select); the canonical splice donor site of the intron after coding-DNA position 375, T replaced by C.
Molecular consequence: splice donor variant.
Genome position (GRCh38, 1-based): chr3:52,407,956, A>G on the plus strand (T>C on the coding strand, the complement: BAP1 is on the minus strand). VCF-style: chr3-52407956-A-G. GRCh37 (hg19) VCF-style: chr3-52441972-A-G.
Other names: c.375+2T>C (NM_001410772.1).
Identifiers: ClinVar variation 4620792 (VCV004620792.1).